The following is an entry in ClinVar:

ClinVar aggregate classification (germline): Uncertain significance. Review status: criteria provided, multiple submitters, no conflicts (2 of 4 stars). 2 submissions from 2 submitters: Uncertain significance (2). Last evaluated 2025-03-16.

Conditions:
RYR1-related disorder. Also called: RYR1-related condition; RYR1-related disorders. Identifiers: MedGen CN239331.

Allele frequency attached by ClinVar (database versions not stated): TOPMed below 0.00001.

Submissions (2):

GeneDx
Classification: Uncertain significance. Last evaluated: 2025-03-16. Review status: criteria provided, single submitter. Criteria: GeneDx Variant Classification Process June 2021. Collection method: clinical testing. Allele origin: germline. Affected: yes.
Comment: Not observed at significant frequency in large population cohorts (gnomAD); In silico analysis indicates that this missense variant does not alter protein structure/function; Has not been previously published as pathogenic or benign to our knowledge

Labcorp Genetics (formerly Invitae), Labcorp
Classification: Uncertain significance for RYR1-related disorder. Last evaluated: 2021-08-27. Review status: criteria provided, single submitter. Criteria: Invitae Variant Classification Sherloc (09022015). Collection method: clinical testing. Allele origin: germline.
Comment: This sequence change replaces glycine with serine at codon 4444 of the RYR1 protein (p.Gly4444Ser). The glycine residue is moderately conserved and there is a small physicochemical difference between glycine and serine. The frequency data for this variant in the population databases is considered unreliable, as metrics indicate insufficient coverage at this position in the ExAC database. This variant has not been reported in the literature in individuals affected with RYR1-related conditions. Advanced modeling of protein sequence and biophysical properties (such as structural, functional, and spatial information, amino acid conservation, physicochemical variation, residue mobility, and thermodynamic stability) performed at Invitae indicates that this missense variant is not expected to disrupt RYR1 protein function. In summary, the available evidence is currently insufficient to determine the role of this variant in disease. Therefore, it has been classified as a Variant of Uncertain Significance.

NM_000540.3(RYR1):c.13330G>A (p.Gly4444Ser)

Genes: RYR1 (ryanodine receptor 1; plus strand), LOC130064357 (ATAC-STARR-seq lymphoblastoid silent region 10577; plus strand). Cytogenetic location: 19q13.2.
Variant type: single nucleotide variant.
Coding change: c.13330G>A on transcript NM_000540.3 (MANE Select); coding-DNA position 13330, G replaced by A.
Protein change: p.Gly4444Ser; replaces glycine 4444 with serine.
Molecular consequence: missense variant.
Genome position (GRCh38, 1-based): chr19:38,565,664, G>A. VCF-style: chr19-38565664-G-A. GRCh37 (hg19) VCF-style: chr19-39056304-G-A.
Other names: c.13315G>A, p.Gly4439Ser (NM_001042723.2); c.13330G>A (NM_000540.2); short protein forms G4439S, G4444S.
Identifiers: ClinVar variation 1518786 (VCV001518786.6), dbSNP rs1293782698, ClinGen allele CA405675037.